The following is an entry in ClinVar:

NM_013254.4(TBK1):c.1105C>T (p.His369Tyr)

Gene: TBK1 (TANK binding kinase 1; plus strand). Cytogenetic location: 12q14.2.
Variant type: single nucleotide variant.
Coding change: c.1105C>T on transcript NM_013254.4 (MANE Select); coding-DNA position 1105, C replaced by T.
Protein change: p.His369Tyr; replaces histidine 369 with tyrosine.
Molecular consequence: missense variant.
Genome position (GRCh38, 1-based): chr12:64,484,415, C>T. VCF-style: chr12-64484415-C-T. GRCh37 (hg19) VCF-style: chr12-64878195-C-T.
Other names: short protein forms H369Y.
Identifiers: ClinVar variation 5040347 (VCV005040347.1).

ClinVar aggregate classification (germline): Uncertain significance (1 of 4 stars; one submission).

gnomAD v4.1: 1 of 1,614,012 alleles (0.000062%); highest among the groups gnomAD compares: Non-Finnish European, 0.000085%; no homozygotes.

Submission:

CeGaT Center for Human Genetics Tuebingen
Classification: Uncertain significance. Last evaluated: 2026-07-01. Review status: criteria provided, single submitter. Criteria: CeGaT Center For Human Genetics Tuebingen Variant Classification Criteria Version 2. Collection method: clinical testing. Allele origin: germline. Affected: yes. Observed: 1 variant allele.
Comment: TBK1: PM2, BP4